The following is an entry in ClinVar:

ClinVar aggregate classification (germline): Likely benign (1 of 4 stars; one submission).

Submission:

CeGaT Center for Human Genetics Tuebingen
Classification: Likely benign. Last evaluated: 2025-08-01. Review status: criteria provided, single submitter. Criteria: CeGaT Center For Human Genetics Tuebingen Variant Classification Criteria Version 2. Collection method: clinical testing. Allele origin: germline. Affected: yes. Observed: 1 variant allele.
Comment: GPC3: PM2:Supporting, BP4, BP7

NM_004484.4(GPC3):c.450A>C (p.Thr150=)

Gene: GPC3 (glypican 3; minus strand). Cytogenetic location: Xq26.2.
Variant type: single nucleotide variant.
Coding change: c.450A>C on transcript NM_004484.4 (MANE Select); coding-DNA position 450, A replaced by C.
Protein change: p.Thr150=; no amino-acid change (threonine 150 retained).
Molecular consequence: synonymous variant.
Genome position (GRCh38, 1-based): chrX:133,754,064, T>G on the plus strand (A>C on the coding strand, the complement: GPC3 is on the minus strand). VCF-style: chrX-133754064-T-G. GRCh37 (hg19) VCF-style: chrX-132888091-T-G.
Other names: c.450A>C, p.Thr150= (NM_001164617.2); c.402A>C, p.Thr134= (NM_001164618.2); c.288A>C, p.Thr96= (NM_001164619.2).
Identifiers: ClinVar variation 4084768 (VCV004084768.8).